The following is an entry in ClinVar:

ClinVar aggregate classification (germline): Uncertain significance (1 of 4 stars; one submission).

Submission:

GeneDx
Classification: Uncertain significance. Last evaluated: 2026-03-14. Review status: criteria provided, single submitter. Criteria: GeneDx Variant Classification Process June 2021. Collection method: clinical testing. Allele origin: germline.
Comment: Not observed at significant frequency in large population cohorts (gnomAD); In silico analysis supports that this missense variant has a deleterious effect on protein structure/function; In silico analysis supports a deleterious effect on splicing; Has not been previously published as pathogenic or benign to our knowledge

NM_000260.4(MYO7A):c.2830G>A (p.Asp944Asn)

Gene: MYO7A (myosin VIIA; plus strand). Cytogenetic location: 11q13.5.
Variant type: single nucleotide variant.
Coding change: c.2830G>A on transcript NM_000260.4 (MANE Select); coding-DNA position 2830, G replaced by A.
Protein change: p.Asp944Asn; replaces aspartic acid 944 with asparagine.
Molecular consequence: missense variant.
Genome position (GRCh38, 1-based): chr11:77,181,515, G>A. VCF-style: chr11-77181515-G-A. GRCh37 (hg19) VCF-style: chr11-76892561-G-A.
Other names: c.2830G>A, p.Asp944Asn (NM_001127180.2); c.2797G>A, p.Asp933Asn (NM_001369365.1); short protein forms D933N, D944N.
Identifiers: ClinVar variation 5008593 (VCV005008593.1).
Genomic context (GRCh38, chr11:77,181,515, plus strand): 5'-GAGCTCCTGGAGCAGATGGAAAGGGCCCGCCATGAGCCTGTCAATCACTCAGACATGGTG[G>A]ACAAGATGTTTGGCTTCCTGGGGACTTCAGGTGGCCTGCCAGGCCAGGAGGGCCAGGCAC-3'
Protein context (NP_000251.3, residues 934-954): HEPVNHSDMV[Asp944Asn]KMFGFLGTSG